The following is an entry in ClinVar:

NM_002439.5(MSH3):c.2300_2303del (p.Asp767fs)

Gene: MSH3 (mutS homolog 3; plus strand). Cytogenetic location: 5q14.1.
Variant type: Deletion.
Coding change: c.2300_2303del on transcript NM_002439.5 (MANE Select); coding-DNA positions 2300 to 2303, 4 bases deleted (ATTG; older notation c.2300_2303delATTG).
Protein change: p.Asp767fs; shifts the reading frame from aspartic acid 767.
Molecular consequence: frameshift variant.
Genome position (GRCh38, 1-based): chr5:80,775,740-80,775,743, ATTG deleted; deleting any 4 consecutive bases within chr5:80,775,738-80,775,743 gives the same sequence; the c. name uses the placement nearest the transcript's 3' end. VCF-style (leftmost placement, unchanged base first): chr5-80775737-CTGAT-C. GRCh37 (hg19) VCF-style: chr5-80071556-CTGAT-C.
Other names: c.2300_2303delATTG (NM_002439.3); short protein forms D767fs.
Identifiers: ClinVar variation 864150 (VCV000864150.10), dbSNP rs1462955256, ClinGen allele CA560567410.

ClinVar aggregate classification (germline): Pathogenic/Likely pathogenic. Review status: criteria provided, multiple submitters, no conflicts (2 of 4 stars). 4 submissions from 4 submitters: Pathogenic (3); Likely pathogenic (1). Last evaluated 2025-07-02.

Conditions:
Familial adenomatous polyposis 4 (FAP4). Also called: MSH3-related attenuated familial adenomatous polyposis. Identifiers: Orphanet 480536, MedGen C4310719, MONDO:0044300, OMIM 617100.
Hereditary cancer-predisposing syndrome. Also called: Hereditary Cancer Syndrome; Tumor predisposition; Neoplastic Syndromes, Hereditary; Hereditary neoplastic syndrome. Identifiers: Orphanet 140162, MedGen C0027672, MeSH D009386, MONDO:0015356.
Endometrial carcinoma. Also called: Endometrial carcinoma, somatic. Identifiers: MedGen C0476089, MONDO:0002447, OMIM 608089, HP:0012114.

Submissions (4):

Myriad Genetics, Inc.
Classification: Pathogenic for Familial adenomatous polyposis 4. Last evaluated: 2025-07-02. Review status: criteria provided, single submitter. Criteria: Myriad Autosomal Dominant, Autosomal Recessive and X-Linked Classification Criteria (2023). Collection method: clinical testing. Allele origin: unknown.
Comment: This variant is considered pathogenic. This variant creates a frameshift predicted to result in premature protein truncation.

Ambry Genetics
Classification: Pathogenic for Hereditary cancer-predisposing syndrome. Last evaluated: 2024-12-06. Review status: criteria provided, single submitter. Criteria: Ambry Variant Classification Scheme 2023. Collection method: clinical testing. Allele origin: germline.
Comment: The c.2300_2303delATTG pathogenic mutation, located in coding exon 16 of the MSH3 gene, results from a deletion of 4 nucleotides at nucleotide positions 2300 to 2303, causing a translational frameshift with a predicted alternate stop codon (p.D767Gfs*2). This alteration is expected to result in loss of function by premature protein truncation or nonsense-mediated mRNA decay. As such, this alteration is interpreted as a disease-causing mutation.

Baylor Genetics
Classification: Likely pathogenic for Endometrial carcinoma. Last evaluated: 2022-08-28. Review status: criteria provided, single submitter. Criteria: ACMG Guidelines, 2015. Collection method: clinical testing. Allele origin: unknown.

Labcorp Genetics (formerly Invitae), Labcorp
Classification: Pathogenic. Last evaluated: 2019-03-11. Review status: criteria provided, single submitter. Criteria: Invitae Variant Classification Sherloc (09022015). Collection method: clinical testing. Allele origin: germline.
Comment: This sequence change creates a premature translational stop signal (p.Asp767Glyfs*2) in the MSH3 gene. It is expected to result in an absent or disrupted protein product. For these reasons, this variant has been classified as Pathogenic. Loss-of-function variants in MSH3 are known to be pathogenic (PMID: 27476653). This variant has not been reported in the literature in individuals with MSH3-related conditions. This variant is not present in population databases (ExAC no frequency).

Literature cited by the submitters: PubMed 27476653 (cited by Labcorp Genetics (formerly Invitae), Labcorp).